The following is an entry in ClinVar:

NM_003900.5(SQSTM1):c.1005TGA[1] (p.Asp337del)

Gene: SQSTM1 (sequestosome 1; plus strand). Cytogenetic location: 5q35.3.
Variant type: Microsatellite.
Coding change: c.1005TGA[1] on transcript NM_003900.5 (MANE Select); one copy of the 3-base unit TGA starting at c.1005; the reference has two copies in a row; one copy, 3 bases deleted.
Protein change: p.Asp337del; deletes aspartic acid 337.
Molecular consequence: inframe deletion.
Genome position (GRCh38, 1-based): chr5:179,833,625-179,833,627, TGA deleted; deleting any 3 consecutive bases within chr5:179,833,620-179,833,627 gives the same sequence; the position shown is the placement nearest the transcript's 3' end. VCF-style (leftmost placement, unchanged base first): chr5-179833619-AGAT-A. GRCh37 (hg19) VCF-style: chr5-179260619-AGAT-A.
Other names: c.753TGA[1], p.Asp253del (NM_001142298.2, NM_001142299.2); short protein forms D253del, D337del.
Identifiers: ClinVar variation 1903345 (VCV001903345.5), dbSNP rs2480247524, ClinGen allele CA2578507792.
Genomic context (GRCh38, chr5:179,833,619, plus strand): 5'-TGTGTGCTCATGGTGAGTTTTGTTCCAGGAACAGATGGAGTCGGATAACTGTTCAGGAGG[AGAT>A]GATGACTGGACCCATCTGTCTTCAAAAGAAGTGGACCCGTCTACAGGTGAACTCCAGTCC-3'

ClinVar aggregate classification (germline): Uncertain significance (1 of 4 stars; one submission).

Conditions:
Paget disease of bone 2, early-onset (PDB2). Also called: Paget disease of bone 2. Identifiers: MedGen C4085251, MONDO:0011183, OMIM 602080.
Frontotemporal dementia and/or amyotrophic lateral sclerosis 1 (FTDALS1). Also called: C9orf72 Frontotemporal Dementia and/or Amyotrophic Lateral Sclerosis; Frontotemporal dementia with motor neuron disease 1. Identifiers: Orphanet 275872, MedGen C5779877, MONDO:0007105, OMIM 105550.

Submission:

Labcorp Genetics (formerly Invitae), Labcorp
Classification: Uncertain significance for Paget disease of bone 2, early-onset; Frontotemporal dementia and/or amyotrophic lateral sclerosis 1. Last evaluated: 2022-04-04. Review status: criteria provided, single submitter. Criteria: Invitae Variant Classification Sherloc (09022015). Collection method: clinical testing. Allele origin: germline.
Comment: In summary, the available evidence is currently insufficient to determine the role of this variant in disease. Therefore, it has been classified as a Variant of Uncertain Significance. Experimental studies and prediction algorithms are not available or were not evaluated, and the functional significance of this variant is currently unknown. This variant has not been reported in the literature in individuals affected with SQSTM1-related conditions. This variant is not present in population databases (gnomAD no frequency). This variant, c.1008_1010del, results in the deletion of 1 amino acid(s) of the SQSTM1 protein (p.Asp337del), but otherwise preserves the integrity of the reading frame.